The following is an entry in ClinVar:

NM_000179.3(MSH6):c.1936A>C (p.Lys646Gln)

Gene: MSH6 (mutS homolog 6; plus strand). Cytogenetic location: 2p16.3.
Variant type: single nucleotide variant.
Coding change: c.1936A>C on transcript NM_000179.3 (MANE Select); coding-DNA position 1936, A replaced by C.
Protein change: p.Lys646Gln; replaces lysine 646 with glutamine.
Molecular consequence: missense variant. On other transcripts: non-coding transcript variant (5), intron variant (2).
Genome position (GRCh38, 1-based): chr2:47,799,919, A>C. VCF-style: chr2-47799919-A-C. GRCh37 (hg19) VCF-style: chr2-48027058-A-C.
Other names: c.1546A>C, p.Lys516Gln (NM_001281492.2); c.1030A>C, p.Lys344Gln (NM_001281493.2, NM_001281494.2, NM_001406823.1 and 6 more transcripts); c.2032A>C, p.Lys678Gln (NM_001406795.1, NM_001406802.1); c.1936A>C, p.Lys646Gln (NM_001406796.1, NM_001406798.1, NM_001406800.1 and 3 more transcripts); c.1639A>C, p.Lys547Gln (NM_001406797.1, NM_001406801.1, NM_001406805.1 and 10 more transcripts); c.1411A>C, p.Lys471Gln (NM_001406799.1, NM_001406806.1, NM_001406807.1); c.1858A>C, p.Lys620Gln (NM_001406804.1); c.1768A>C, p.Lys590Gln (NM_001406826.1); and 3 more; short protein forms K344Q, K516Q, K471Q, K547Q, K590Q, K646Q, K648Q, K678Q.
Identifiers: ClinVar variation 3633942 (VCV003633942.2).

ClinVar aggregate classification (germline): Uncertain significance (1 of 4 stars; one submission).

Conditions:
Hereditary nonpolyposis colorectal neoplasms. Identifiers: MedGen C0009405, MeSH D003123.

Submission:

Labcorp Genetics (formerly Invitae), Labcorp
Classification: Uncertain significance for Hereditary nonpolyposis colorectal neoplasms. Last evaluated: 2024-05-28. Review status: criteria provided, single submitter. Criteria: Invitae Variant Classification Sherloc (09022015). Collection method: clinical testing. Allele origin: germline.
Comment: This sequence change replaces lysine, which is basic and polar, with glutamine, which is neutral and polar, at codon 646 of the MSH6 protein (p.Lys646Gln). This variant is not present in population databases (gnomAD no frequency). This variant has not been reported in the literature in individuals affected with MSH6-related conditions. Advanced modeling of protein sequence and biophysical properties (such as structural, functional, and spatial information, amino acid conservation, physicochemical variation, residue mobility, and thermodynamic stability) performed at Invitae indicates that this missense variant is not expected to disrupt MSH6 protein function with a negative predictive value of 95%. In summary, the available evidence is currently insufficient to determine the role of this variant in disease. Therefore, it has been classified as a Variant of Uncertain Significance.